The following is an entry in ClinVar:

ClinVar aggregate classification (germline): Uncertain significance (1 of 4 stars; one submission).

Conditions:
X-linked Alport syndrome (ATS1). Also called: COL4A5-Related Nephropathy; NEPHROPATHY AND DEAFNESS, X-LINKED. Identifiers: Orphanet 63, Orphanet 88917, MedGen C4746986, MONDO:0010520, OMIM 301050.

gnomAD v4.1: 1 of 1,211,314 alleles (0.000083%); no homozygotes.

Submission:

MVZ Medizinische Genetik Mainz
Classification: Uncertain significance for X-linked Alport syndrome. Last evaluated: 2024-08-15. Review status: criteria provided, single submitter. Criteria: UK Practice Guidelines For Variant Classification V4 01 2020. Collection method: clinical testing. Allele origin: germline. Inheritance: X-linked dominant inheritance. Affected: yes. Observed: 1 variant allele.
Comment: ACMG Criteria: PP3_MOD,PM2_SUP

NM_033380.3(COL4A5):c.4453G>A (p.Gly1485Arg)

Gene: COL4A5 (collagen type IV alpha 5 chain; plus strand). Cytogenetic location: Xq22.3.
Variant type: single nucleotide variant.
Coding change: c.4453G>A on transcript NM_033380.3 (MANE Select); coding-DNA position 4453, G replaced by A.
Protein change: p.Gly1485Arg; replaces glycine 1485 with arginine.
Molecular consequence: missense variant.
Genome position (GRCh38, 1-based): chrX:108,687,619, G>A. VCF-style: chrX-108687619-G-A. GRCh37 (hg19) VCF-style: chrX-107930849-G-A.
Other names: c.4435G>A, p.Gly1479Arg (NM_000495.5); short protein forms G1479R, G1485R.
Identifiers: ClinVar variation 3338416 (VCV003338416.1).